The following is an entry in ClinVar:

NM_020706.2(SCAF4):c.2935C>T (p.Gln979Ter)

Gene: SCAF4 (SR-related CTD associated factor 4; minus strand). Cytogenetic location: 21q22.11.
Variant type: single nucleotide variant.
Coding change: c.2935C>T on transcript NM_020706.2 (MANE Select); coding-DNA position 2935, C replaced by T.
Protein change: p.Gln979Ter; replaces glutamine 979 with a stop codon.
Molecular consequence: nonsense.
Genome position (GRCh38, 1-based): chr21:31,671,908, G>A on the plus strand (C>T on the coding strand, the complement: SCAF4 is on the minus strand). VCF-style: chr21-31671908-G-A. GRCh37 (hg19) VCF-style: chr21-33044221-G-A.
Other names: c.2890C>T, p.Gln964Ter (NM_001145444.1); c.2869C>T, p.Gln957Ter (NM_001145445.1); short protein forms Q957*, Q964*, Q979*.
Identifiers: ClinVar variation 3899110 (VCV003899110.1).

ClinVar aggregate classification (germline): Uncertain significance (1 of 4 stars; one submission).

Submission:

GeneDx
Classification: Uncertain significance. Last evaluated: 2024-11-09. Review status: criteria provided, single submitter. Criteria: GeneDx Variant Classification Process June 2021. Collection method: clinical testing. Allele origin: germline. Affected: yes.
Comment: Not observed at significant frequency in large population cohorts (gnomAD); Nonsense variant predicted to result in protein truncation as the last 169 amino acid(s) are lost.; Has not been previously published as pathogenic or benign to our knowledge